The following is an entry in ClinVar:

NM_000337.6(SGCD):c.767C>T (p.Thr256Met)

Gene: SGCD (sarcoglycan delta; plus strand). Cytogenetic location: 5q33.3.
Variant type: single nucleotide variant.
Coding change: c.767C>T on transcript NM_000337.6 (MANE Select); coding-DNA position 767, C replaced by T.
Protein change: p.Thr256Met; replaces threonine 256 with methionine.
Molecular consequence: missense variant.
Genome position (GRCh38, 1-based): chr5:156,759,284, C>T. VCF-style: chr5-156759284-C-T. GRCh37 (hg19) VCF-style: chr5-156186295-C-T.
Other names: c.764C>T, p.Thr255Met (NM_001128209.2); short protein forms T256M, T255M.
Identifiers: ClinVar variation 464021 (VCV000464021.8), dbSNP rs578056399, ClinGen allele CA3530692.
Genomic context (GRCh38, chr5:156,759,284, plus strand): 5'-TAGATGCTGCGAAAATCAGGCTACCTAGACTGCCTCATGGATCCTACACGCCTACAGGAA[C>T]GAGGCAGAAGGTCTTCGAGATCTGCGTCTGCGCCAATGGGAGATTATTCCTGTCTCAGGC-3'
Protein context (NP_000328.2, residues 246-266): LPHGSYTPTG[Thr256Met]RQKVFEICVC

ClinVar aggregate classification (germline): Conflicting classifications of pathogenicity. Review status: criteria provided, conflicting classifications (1 of 4 stars). 4 submissions from 4 submitters: Uncertain significance (3); Likely benign (1). Last evaluated 2023-07-17.

Conditions:
Autosomal recessive limb-girdle muscular dystrophy type 2F (LGMDR6). Also called: Muscular dystrophy limb-girdle with delta-sarcoglyan deficiency; MUSCULAR DYSTROPHY, LIMB-GIRDLE, AUTOSOMAL RECESSIVE 6. Identifiers: Orphanet 219, MedGen C1832525, MONDO:0011028, OMIM 601287. Disease mechanism: Affects gamma-sarcoglycan and also disrupts the integrity of the entire sarcoglycan complex..
Cardiomyopathy (CMYO). Also called: Cardiomyopathies. Identifiers: Orphanet 167848, MedGen C0878544, MONDO:0004994, HP:0001638. Inheritance: Various modes of inheritance.

Allele frequency attached by ClinVar (database versions not stated): gnomAD 0.00003 and 0.00005; TOPMed 0.00006; ExAC 0.00009; gnomAD exomes 0.00010; 1000 Genomes Project 0.00020; 1000 Genomes Project 30x 0.00031.
gnomAD v4.1: 81 of 1,613,118 alleles (0.005%); highest among the groups gnomAD compares: East Asian, 0.027%; no homozygotes.

Submissions (4):

Revvity Omics, Revvity
Classification: Uncertain significance. Last evaluated: 2023-07-17. Review status: criteria provided, single submitter. Criteria: ACMG Guidelines, 2015. Collection method: clinical testing. Allele origin: germline.

Athena Diagnostics
Classification: Uncertain significance. Last evaluated: 2023-01-11. Review status: criteria provided, single submitter. Criteria: Athena Diagnostics Criteria. Collection method: clinical testing. Allele origin: unknown.
Comment: Available data are insufficient to determine the clinical significance of the variant at this time. The frequency of this variant in the general population is higher than would generally be expected for pathogenic variants in this gene. Computational tools predict that this variant is not damaging.

Labcorp Genetics (formerly Invitae), Labcorp
Classification: Uncertain significance for Autosomal recessive limb-girdle muscular dystrophy type 2F. Last evaluated: 2022-06-13. Review status: criteria provided, single submitter. Criteria: Invitae Variant Classification Sherloc (09022015). Collection method: clinical testing. Allele origin: germline.
Comment: This sequence change replaces threonine, which is neutral and polar, with methionine, which is neutral and non-polar, at codon 256 of the SGCD protein (p.Thr256Met). This variant is present in population databases (rs578056399, gnomAD 0.07%). This missense change has been observed in individuals with dilated cardiomyopathy (PMID: 26084686). ClinVar contains an entry for this variant (Variation ID: 464021). Algorithms developed to predict the effect of missense changes on protein structure and function (SIFT, PolyPhen-2, Align-GVGD) all suggest that this variant is likely to be tolerated. In summary, the available evidence is currently insufficient to determine the role of this variant in disease. Therefore, it has been classified as a Variant of Uncertain Significance.

CHEO Genetics Diagnostic Laboratory, Children's Hospital of Eastern Ontario
Classification: Likely benign for Cardiomyopathy. Last evaluated: 2018-05-25. Review status: criteria provided, single submitter. Criteria: ACMG Guidelines, 2015. Collection method: clinical testing. Allele origin: germline.

Literature cited by the submitters: PubMed 26084686 (cited by Athena Diagnostics and Labcorp Genetics (formerly Invitae), Labcorp).